The following is an entry in ClinVar:

ClinVar aggregate classification (germline): Pathogenic. Review status: criteria provided, multiple submitters, no conflicts (2 of 4 stars). 2 submissions from 2 submitters: Pathogenic (2). Last evaluated 2026-01-23.

Conditions:
Inborn genetic diseases. Identifiers: MedGen C0950123, MeSH D030342.

Submissions (2):

Ambry Genetics
Classification: Pathogenic for Inborn genetic diseases. Last evaluated: 2026-01-23. Review status: criteria provided, single submitter. Criteria: Ambry Variant Classification Scheme 2023. Collection method: clinical testing. Allele origin: germline.
Comment: The c.1585dupA pathogenic mutation, located in coding exon 15 of the DDX41 gene, results from a duplication of A at nucleotide position 1585, causing a translational frameshift with a predicted alternate stop codon (p.T529Nfs*13). This variant is considered to be rare based on population cohorts in the Genome Aggregation Database (gnomAD). This alteration is expected to result in loss of function by premature protein truncation or nonsense-mediated mRNA decay. As such, this alteration is interpreted as a disease-causing mutation.

GeneDx
Classification: Pathogenic. Last evaluated: 2024-07-31. Review status: criteria provided, single submitter. Criteria: GeneDx Variant Classification Process June 2021. Collection method: clinical testing. Allele origin: germline. Affected: yes.
Comment: Frameshift variant predicted to result in protein truncation or nonsense mediated decay in a gene for which loss of function is a known mechanism of disease; Not observed at significant frequency in large population cohorts (gnomAD); Identified in individuals with acute myeloid leukemia, but confirmation of germline status was not provided (PMID: 35443031); This variant is associated with the following publications: (PMID: 35443031)

NM_016222.4(DDX41):c.1585dup (p.Thr529fs)

Gene: DDX41 (DEAD-box helicase 41; minus strand). Cytogenetic location: 5q35.3.
Variant type: Duplication.
Coding change: c.1585dup on transcript NM_016222.4 (MANE Select); coding-DNA position 1585, one base duplicated (A; older notation c.1585dupA).
Protein change: p.Thr529fs; shifts the reading frame from threonine 529.
Molecular consequence: frameshift variant.
Genome position (GRCh38, 1-based): chr5:177,512,358, T duplicated on the plus strand (A on the coding strand, the reverse complement: DDX41 is on the minus strand). VCF-style (leftmost placement, unchanged base first): chr5-177512357-G-GT. GRCh37 (hg19) VCF-style: chr5-176939358-G-GT.
Other names: c.1585dupA (NM_016222.2); c.1207dup, p.Thr403fs (NM_001321732.2, NM_001321830.2); short protein forms T403fs, T529fs.
Identifiers: ClinVar variation 3602281 (VCV003602281.2).